The following is an entry in ClinVar:

NM_017654.4(SAMD9):c.224G>A (p.Arg75Gln)

Gene: SAMD9 (sterile alpha motif domain containing 9; minus strand). Cytogenetic location: 7q21.2.
Variant type: single nucleotide variant.
Coding change: c.224G>A on transcript NM_017654.4 (MANE Select); coding-DNA position 224, G replaced by A.
Protein change: p.Arg75Gln; replaces arginine 75 with glutamine.
Molecular consequence: missense variant.
Genome position (GRCh38, 1-based): chr7:93,105,874, C>T on the plus strand (G>A on the coding strand, the complement: SAMD9 is on the minus strand). VCF-style: chr7-93105874-C-T. GRCh37 (hg19) VCF-style: chr7-92735187-C-T.
Other names: c.224G>A, p.Arg75Gln (NM_001193307.2); c.224G>A (NM_017654.3); short protein forms R75Q.
Identifiers: ClinVar variation 1656690 (VCV001656690.15), dbSNP rs200748623, ClinGen allele CA4343187.

ClinVar aggregate classification (germline): Conflicting classifications of pathogenicity. Review status: criteria provided, conflicting classifications (1 of 4 stars). 7 submissions from 7 submitters: Uncertain significance (4); Likely benign (2). 1 of the submissions does not count toward it. Last evaluated 2026-10-01.

Conditions:
Monosomy 7 myelodysplasia and leukemia syndrome 2. Identifiers: MedGen C5436668, MONDO:0030801, OMIM 619041.
Inborn genetic diseases. Identifiers: MedGen C0950123, MeSH D030342.
SAMD9-related disorder. Also called: SAMD9-related condition.

Allele frequency attached by ClinVar (database versions not stated): ExAC 0.00002; TOPMed 0.00002; gnomAD exomes 0.00003 and 0.00006; gnomAD 0.00004 and 0.00005; 1000 Genomes Project 30x 0.00016; 1000 Genomes Project 0.00020.
gnomAD v4.1: 94 of 1,614,064 alleles (0.0058%); highest among the groups gnomAD compares: East Asian, 0.016%; no homozygotes.

Submissions (7):

St. Jude Molecular Pathology, St. Jude Children's Research Hospital
Classification: Uncertain significance for Monosomy 7 myelodysplasia and leukemia syndrome 2. Last evaluated: 2026-10-01. Review status: criteria provided, single submitter. Criteria: St. Jude Assertion Criteria 2020. Collection method: clinical testing. Allele origin: germline.
Comment: The SAMD9 c.224G>A p.(Arg75Gln) missense change has a maximum subpopulation frequency of 0.003% in gnomAD v2.1.1. The in silico tool REVEL predicts a benign effect on protein function, however in silico predictions have not been found to correlate with syndromic risk and are thu s not considered supporting evidence of a pathogenic or benign effect (PMID: 34621053). To our knowledge, this variant has not been reported in individuals with SAMD9-associated conditions. In summary, the evidence currently available is insufficient to determine the clinical significance of this variant. It has therefore been classified as of uncertain significance.

Women's Health and Genetics/Laboratory Corporation of America, LabCorp
Classification: Uncertain significance. Last evaluated: 2025-12-30. Review status: criteria provided, single submitter. Criteria: LabCorp Variant Classification Summary - May 2015. Collection method: clinical testing. Allele origin: germline.
Comment: Variant summary: SAMD9 c.224G>A (p.Arg75Gln) results in a conservative amino acid change in the encoded protein sequence. Algorithms developed to predict the effect of missense changes on protein structure and function all suggest that this variant is likely to be tolerated. The variant allele was found at a frequency of 3.2e-05 in 251370 control chromosomes. The available data on variant occurrences in the general population are insufficient to allow any conclusion about variant significance. To our knowledge, no occurrence of c.224G>A in individuals affected with SAMD9-related conditions and no experimental evidence demonstrating its impact on protein function have been reported. ClinVar contains an entry for this variant (Variation ID: 1656690). Based on the evidence outlined above, the variant was classified as uncertain significance.

Labcorp Genetics (formerly Invitae), Labcorp
Classification: Likely benign. Last evaluated: 2025-11-24. Review status: criteria provided, single submitter. Criteria: Invitae Variant Classification Sherloc (09022015). Collection method: clinical testing. Allele origin: germline.

Ambry Genetics
Classification: Likely benign for Inborn genetic diseases. Last evaluated: 2024-11-23. Review status: criteria provided, single submitter. Criteria: Ambry Variant Classification Scheme 2023. Collection method: clinical testing. Allele origin: germline.

ARUP Laboratories, Molecular Genetics and Genomics, ARUP Laboratories
Classification: Uncertain significance. Last evaluated: 2024-08-23. Review status: criteria provided, single submitter. Criteria: ARUP Molecular Germline Variant Investigation Process 2024. Collection method: clinical testing. Allele origin: germline.
Comment: The SAMD9 c.224G>A; p.Arg75Gln variant (rs200748623), to our knowledge, is not reported in the medical literature but is reported in ClinVar (Variation ID: 1656690). This variant is found in the general population with an overall allele frequency of 0.0046% (13/282766 alleles) in the Genome Aggregation Database (v2.1.1). Computational analyses predict that this variant is neutral (REVEL: 0.015). Due to limited information, the clinical significance of this variant is uncertain at this time.

GeneDx
Classification: Uncertain significance. Last evaluated: 2024-07-29. Review status: criteria provided, single submitter. Criteria: GeneDx Variant Classification Process June 2021. Collection method: clinical testing. Allele origin: germline. Affected: yes.
Comment: In silico analysis indicates that this missense variant does not alter protein structure/function; Has not been previously published as pathogenic or benign to our knowledge

PreventionGenetics, part of Exact Sciences
Classification: Uncertain significance for SAMD9-related condition. Last evaluated: 2024-03-28. Review status: no assertion criteria provided. Collection method: clinical testing. Allele origin: germline. Not counted in ClinVar's aggregate classification.
Comment: The SAMD9 c.224G>A variant is predicted to result in the amino acid substitution p.Arg75Gln. To our knowledge, this variant has not been reported in the literature. This variant is reported in 0.030% of alleles in individuals of East Asian descent in gnomAD. At this time, the clinical significance of this variant is uncertain due to the absence of conclusive functional and genetic evidence.